The following is an entry in ClinVar:

ClinVar aggregate classification (germline): Uncertain significance (1 of 4 stars; one submission).

Conditions:
Joubert syndrome 18 (JBTS18). Identifiers: Orphanet 2754, MedGen C3553758, MONDO:0013896, OMIM 614815.
Orofacial-digital syndrome IV (OFD4). Also called: Orofaciodigital syndrome IV; BARAITSER-BURN SYNDROME; MOHR-MAJEWSKI SYNDROME; OFD SYNDROME WITH TIBIAL DEFECTS; OFD SYNDROME, BARAITSER-BURN TYPE; OFDS IV. Identifiers: Orphanet 2753, MedGen C0406727, MONDO:0009794, OMIM 258860.

Allele frequency attached by ClinVar (database versions not stated): ExAC 0.00001; gnomAD 0.00001 and 0.00002; gnomAD exomes 0.00001; TOPMed 0.00005.
gnomAD v4.1: 11 of 1,613,842 alleles (0.00068%); highest among the groups gnomAD compares: African/African-American, 0.012%; no homozygotes.

Submission:

Labcorp Genetics (formerly Invitae), Labcorp
Classification: Uncertain significance for Joubert syndrome 18; Orofacial-digital syndrome IV. Last evaluated: 2022-08-09. Review status: criteria provided, single submitter. Criteria: Invitae Variant Classification Sherloc (09022015). Collection method: clinical testing. Allele origin: germline.
Comment: This sequence change replaces threonine, which is neutral and polar, with isoleucine, which is neutral and non-polar, at codon 536 of the TCTN3 protein (p.Thr536Ile). ClinVar contains an entry for this variant (Variation ID: 1461163). This variant has not been reported in the literature in individuals affected with TCTN3-related conditions. This variant is present in population databases (rs768523448, gnomAD 0.01%). In summary, the available evidence is currently insufficient to determine the role of this variant in disease. Therefore, it has been classified as a Variant of Uncertain Significance. Algorithms developed to predict the effect of missense changes on protein structure and function output the following: SIFT: "Tolerated"; PolyPhen-2: "Benign"; Align-GVGD: "Class C0". The isoleucine amino acid residue is found in multiple mammalian species, which suggests that this missense change does not adversely affect protein function.

NM_015631.6(TCTN3):c.1607C>T (p.Thr536Ile)

Gene: TCTN3 (tectonic family member 3; minus strand). Cytogenetic location: 10q24.1.
Variant type: single nucleotide variant.
Coding change: c.1607C>T on transcript NM_015631.6 (MANE Select); coding-DNA position 1607, C replaced by T.
Protein change: p.Thr536Ile; replaces threonine 536 with isoleucine.
Molecular consequence: missense variant.
Genome position (GRCh38, 1-based): chr10:95,664,284, G>A on the plus strand (C>T on the coding strand, the complement: TCTN3 is on the minus strand). VCF-style: chr10-95664284-G-A. GRCh37 (hg19) VCF-style: chr10-97424041-G-A.
Other names: c.1163C>T, p.Thr388Ile (NM_001143973.2); short protein forms T388I, T536I.
Identifiers: ClinVar variation 1461163 (VCV001461163.6), dbSNP rs768523448, ClinGen allele CA5620764.